The following is an entry in ClinVar:

ClinVar aggregate classification (germline): Uncertain significance. Review status: criteria provided, multiple submitters, no conflicts (2 of 4 stars). 2 submissions from 2 submitters: Uncertain significance (2). Last evaluated 2024-03-14.

Conditions:
Cardiovascular phenotype. Identifiers: MedGen CN230736.
Noonan syndrome 7 (NS7). Also called: BRAF-Related Noonan Syndrome. Identifiers: Orphanet 648, MedGen C3150970, MONDO:0013379, OMIM 613706.

Allele frequency attached by ClinVar (database versions not stated): gnomAD exomes below 0.00001.
gnomAD v4.1: 3 of 1,613,858 alleles (0.00019%); highest among the groups gnomAD compares: Non-Finnish European, 0.00025%; no homozygotes.

Submissions (2):

Ambry Genetics
Classification: Uncertain significance for Cardiovascular phenotype. Last evaluated: 2024-03-14. Review status: criteria provided, single submitter. Criteria: Ambry Variant Classification Scheme 2023. Collection method: clinical testing. Allele origin: germline.
Comment: The c.1714A>G (p.I572V) alteration is located in exon 14 (coding exon 14) of the BRAF gene. This alteration results from a A to G substitution at nucleotide position 1714, causing the isoleucine (I) at amino acid position 572 to be replaced by a valine (V). Based on data from gnomAD, the G allele has an overall frequency of <0.001% (1/251220) total alleles studied. The highest observed frequency was 0.001% (1/113564) of European (non-Finnish) alleles. This amino acid position is highly conserved in available vertebrate species. This alteration is predicted to be deleterious by in silico analysis. Based on insufficient or conflicting evidence, the clinical significance of this alteration remains unclear.

Victorian Clinical Genetics Services, Murdoch Childrens Research Institute
Classification: Uncertain significance for Noonan syndrome 7. Last evaluated: 2022-02-02. Review status: criteria provided, single submitter. Criteria: ACMG Guidelines, 2015. Collection method: clinical testing. Allele origin: germline. Inheritance: Autosomal dominant inheritance. Affected: yes.
Comment: Based on the classification scheme VCGS_Germline_v1.3.4, this variant is classified as VUS-3A. Following criteria are met: 0101 - Gain of function is a known mechanism of disease in this gene and is associated with LEOPARD syndrome 3 (MIM#613707), cardiofaciocutaneous syndrome, (MIM#115150) and Noonan syndrome 7 (MIM#613706). Missense variants have shown both enhanced and impaired BRAF kinase activity resulting in increased RAS-RAF-MEK-ERK signaling (PMID: 28783719, PMID: 29540830). (I) 0107 - This gene is associated with autosomal dominant disease. (I) 0200 - Variant is predicted to result in a missense amino acid change from isoleucine to valine. (I) 0251 - This variant is heterozygous. (I) 0302 - Variant is present in gnomAD (v2) <0.001 for a dominant condition (1 heterozygote, 0 homozygotes). (SP) 0309 - An alternative amino acid change at the same position has been observed in gnomAD (v2, v3) (1 heterozygote, 0 homozygotes). (I) 0502 - Missense variant with conflicting in silico predictions and uninformative conservation. (I) 0602 - Variant is located in a hotspot region or cluster of pathogenic variants. Many pathogenic missense variants are located within the protein tyrosine and serine/threonine kinase domain (DECIPHER). (SP) 0705 - No comparable missense variants have previous evidence for pathogenicity. (I) 0807 - This variant has no previous evidence of pathogenicity. (I) 0905 - No published segregation evidence has been identified for this variant. (I) 1007 - No published functional evidence has been identified for this variant. (I) Legend: (SP) - Supporting pathogenic, (I) - Information, (SB) - Supporting benign

Literature cited by the submitters: PubMed 28783719 (cited by Victorian Clinical Genetics Services, Murdoch Childrens Research Institute); PubMed 29540830 (cited by Victorian Clinical Genetics Services, Murdoch Childrens Research Institute).

NM_004333.6(BRAF):c.1714A>G (p.Ile572Val)

Gene: BRAF (B-Raf proto-oncogene, serine/threonine kinase; minus strand). Cytogenetic location: 7q34.
Variant type: single nucleotide variant.
Coding change: c.1714A>G on transcript NM_004333.6 (MANE Select); coding-DNA position 1714, A replaced by G.
Protein change: p.Ile572Val; replaces isoleucine 572 with valine.
Molecular consequence: missense variant.
Genome position (GRCh38, 1-based): chr7:140,754,214, T>C on the plus strand (A>G on the coding strand, the complement: BRAF is on the minus strand). VCF-style: chr7-140754214-T-C. GRCh37 (hg19) VCF-style: chr7-140454014-T-C.
Other names: c.1714A>G, p.Ile572Val (NM_001354609.2, NM_001378468.1, NM_001378474.1); c.1834A>G, p.Ile612Val (NM_001374244.1, NM_001374258.1); c.1723A>G, p.Ile575Val (NM_001378467.1); c.1648A>G, p.Ile550Val (NM_001378469.1); c.1612A>G, p.Ile538Val (NM_001378470.1); c.1603A>G, p.Ile535Val (NM_001378471.1); c.1558A>G, p.Ile520Val (NM_001378472.1, NM_001378473.1); c.1450A>G, p.Ile484Val (NM_001378475.1); short protein forms I484V, I520V, I535V, I538V, I550V, I572V, I575V, I612V.
Identifiers: ClinVar variation 1699096 (VCV001699096.4), dbSNP rs755214031, ClinGen allele CA4516674.